The following is an entry in ClinVar:

NM_001201543.2(FAM161A):c.1111G>T (p.Asp371Tyr)

Gene: FAM161A (FAM161 centrosomal protein A; minus strand). Cytogenetic location: 2p15.
Variant type: single nucleotide variant.
Coding change: c.1111G>T on transcript NM_001201543.2 (MANE Select); coding-DNA position 1111, G replaced by T.
Protein change: p.Asp371Tyr; replaces aspartic acid 371 with tyrosine.
Molecular consequence: missense variant. On other transcripts: non-coding transcript variant (1).
Genome position (GRCh38, 1-based): chr2:61,839,893, C>A on the plus strand (G>T on the coding strand, the complement: FAM161A is on the minus strand). VCF-style: chr2-61839893-C-A. GRCh37 (hg19) VCF-style: chr2-62067028-C-A.
Other names: c.1111G>T, p.Asp371Tyr (NM_032180.3); short protein forms D371Y.
Identifiers: ClinVar variation 1000268 (VCV001000268.9), dbSNP rs752075492, ClinGen allele CA1679208.

ClinVar aggregate classification (germline): Uncertain significance. Review status: criteria provided, multiple submitters, no conflicts (2 of 4 stars). 4 submissions from 4 submitters: Uncertain significance (2). 2 of the submissions do not count toward it. Last evaluated 2023-12-11.

Conditions:
Retinitis pigmentosa 28 (RP28). Identifiers: Orphanet 791, MedGen C1419614, MONDO:0011630, OMIM 606068.
Retinal dystrophy. Also called: Inherited retinal dystrophy. Identifiers: Orphanet 71862, MedGen C0854723, MeSH D058499, MONDO:0019118, HP:0000556.

Allele frequency attached by ClinVar (database versions not stated): ExAC 0.00001; gnomAD exomes 0.00001 and 0.00002; TOPMed 0.00001.
gnomAD v4.1: 12 of 1,614,204 alleles (0.00074%); highest among the groups gnomAD compares: Non-Finnish European, 0.00093%; 2 homozygotes.

Submissions (4):

Labcorp Genetics (formerly Invitae), Labcorp
Classification: Uncertain significance. Last evaluated: 2023-12-11. Review status: criteria provided, single submitter. Criteria: Invitae Variant Classification Sherloc (09022015). Collection method: clinical testing. Allele origin: germline.
Comment: This sequence change replaces aspartic acid, which is acidic and polar, with tyrosine, which is neutral and polar, at codon 371 of the FAM161A protein (p.Asp371Tyr). This variant is present in population databases (rs752075492, gnomAD 0.002%). This variant has not been reported in the literature in individuals affected with FAM161A-related conditions. ClinVar contains an entry for this variant (Variation ID: 1000268). Advanced modeling of protein sequence and biophysical properties (such as structural, functional, and spatial information, amino acid conservation, physicochemical variation, residue mobility, and thermodynamic stability) performed at Invitae indicates that this missense variant is expected to disrupt FAM161A protein function with a positive predictive value of 80%. In summary, the available evidence is currently insufficient to determine the role of this variant in disease. Therefore, it has been classified as a Variant of Uncertain Significance.

Blueprint Genetics
Classification: Uncertain significance. Last evaluated: 2020-09-21. Review status: criteria provided, single submitter. Criteria: ACMG Guidelines, 2015. Collection method: clinical testing. Allele origin: germline.

Natera, Inc.
Classification: Uncertain significance for Retinitis pigmentosa type 28. Last evaluated: 2020-12-30. Review status: no assertion criteria provided. Collection method: clinical testing. Allele origin: germline. Not counted in ClinVar's aggregate classification.

Institute of Human Genetics, Univ. Regensburg, Univ. Regensburg
Classification: Uncertain significance for Retinal dystrophy. Last evaluated: 2018-01-01. Review status: no assertion criteria provided. Criteria: ACMG Guidelines, 2015. Collection method: clinical testing. Allele origin: germline. Affected: yes. Not counted in ClinVar's aggregate classification.